The following is an entry in ClinVar:

NM_014915.3(ANKRD26):c.4187A>G (p.Asp1396Gly)

Gene: ANKRD26 (ankyrin repeat domain containing 26; minus strand). Cytogenetic location: 10p12.1.
Variant type: single nucleotide variant.
Coding change: c.4187A>G on transcript NM_014915.3 (MANE Select); coding-DNA position 4187, A replaced by G.
Protein change: p.Asp1396Gly; replaces aspartic acid 1396 with glycine.
Molecular consequence: missense variant.
Genome position (GRCh38, 1-based): chr10:27,022,586, T>C on the plus strand (A>G on the coding strand, the complement: ANKRD26 is on the minus strand). VCF-style: chr10-27022586-T-C. GRCh37 (hg19) VCF-style: chr10-27311515-T-C.
Other names: c.4184A>G, p.Asp1395Gly (NM_001256053.2); short protein forms D1395G, D1396G.
Identifiers: ClinVar variation 3370794 (VCV003370794.1).

ClinVar aggregate classification (germline): Uncertain significance (1 of 4 stars; one submission).

Submission:

GeneDx
Classification: Uncertain significance. Last evaluated: 2024-03-13. Review status: criteria provided, single submitter. Criteria: GeneDx Variant Classification Process June 2021. Collection method: clinical testing. Allele origin: germline. Affected: yes.
Comment: Not observed at significant frequency in large population cohorts (gnomAD); In silico analysis supports that this missense variant has a deleterious effect on protein structure/function; Has not been previously published as pathogenic or benign to our knowledge